The following is an entry in ClinVar:

ClinVar aggregate classification (germline): Benign. Review status: criteria provided, multiple submitters, no conflicts (2 of 4 stars). 3 submissions from 3 submitters: Benign (2). 1 of the submissions does not count toward it. Last evaluated 2026-02-04.

Conditions:
ARHGEF18-related disorder. Also called: ARHGEF18-related condition.

Allele frequency attached by ClinVar (database versions not stated): gnomAD 0.80065 and 0.79902; 1000 Genomes Project 0.83427; TOPMed 0.81046; 1000 Genomes Project 30x 0.83573; gnomAD exomes 0.75050 and 0.75440; ExAC 0.76998; ESP Exome Variant Server 0.81217.
gnomAD v4.1: 1,198,565 of 1,585,614 alleles (76%); highest among the groups gnomAD compares: African/African-American, 93%; 455,500 homozygotes.

Submissions (3):

Labcorp Genetics (formerly Invitae), Labcorp
Classification: Benign. Last evaluated: 2026-02-04. Review status: criteria provided, single submitter. Criteria: Invitae Variant Classification Sherloc (09022015). Collection method: clinical testing. Allele origin: germline.

Breakthrough Genomics
Classification: Benign. Review status: criteria provided, single submitter. Criteria: ACMG Guidelines, 2015. Collection method: not provided. Allele origin: germline. Inheritance: Autosomal recessive inheritance. Affected: yes.

PreventionGenetics, part of Exact Sciences
Classification: Benign for ARHGEF18-related condition. Last evaluated: 2019-10-16. Review status: no assertion criteria provided. Collection method: clinical testing. Allele origin: germline. Not counted in ClinVar's aggregate classification.
Comment: This variant is classified as benign based on ACMG/AMP sequence variant interpretation guidelines (Richards et al. 2015 PMID: 25741868, with internal and published modifications).

NM_001367823.1(ARHGEF18):c.3620A>G (p.Asn1207Ser)

Gene: ARHGEF18 (Rho/Rac guanine nucleotide exchange factor 18; plus strand). Cytogenetic location: 19p13.2.
Variant type: single nucleotide variant.
Coding change: c.3620A>G on transcript NM_001367823.1 (MANE Select); coding-DNA position 3620, A replaced by G.
Protein change: p.Asn1207Ser; replaces asparagine 1207 with serine.
Molecular consequence: missense variant.
Genome position (GRCh38, 1-based): chr19:7,468,964, A>G. VCF-style: chr19-7468964-A-G. GRCh37 (hg19) VCF-style: chr19-7533850-A-G.
Other names: c.2894A>G, p.Asn965Ser (NM_001130955.2); c.2582A>G, p.Asn861Ser (NM_001367824.1, NM_015318.4); c.3056A>G (NM_001130955.1); short protein forms N1207S, N861S, N965S.
Identifiers: ClinVar variation 1168778 (VCV001168778.12), dbSNP rs9329368, ClinGen allele CA9137197.